The following is an entry in ClinVar:

ClinVar aggregate classification (germline): Uncertain significance (1 of 4 stars; one submission).

Conditions:
CYP21A2-related disorder. Also called: CYP21A2-related condition.

Submission:

PreventionGenetics, part of Exact Sciences
Classification: Uncertain significance for CYP21A2-related condition. Last evaluated: 2026-01-31. Review status: criteria provided, single submitter. Criteria: ACMG Guidelines, 2015. Collection method: clinical testing. Allele origin: germline.
Comment: The CYP21A2 c.-31G>C variant is located in the 5' untranslated region. To our knowledge, this variant has not been reported in the literature or in a large population database (gnomAD), indicating this variant is rare. This variant falls within a highly paralogous region. Allele frequency data should be interpreted with caution. Of note, promoter variants in CYP21A2 have been reported to reduce transcriptional activities and therefore possibly associated to milder disease expressivity (Zhang et al. 2009. PubMed ID: 18702679; Araújo et al. 2007. PubMed ID: 17666484). At this time, the clinical significance of this variant is uncertain due to the absence of conclusive functional and genetic evidence.

NM_000500.7(CYP21A2):c.-31G>C

Genes: CYP21A2 (cytochrome P450 family 21 subfamily A member 2; plus strand), LOC106780800 (CYP21A2 recombination region; plus strand), LOC110631417 (CYP21A2 5' regulatory region; plus strand). Cytogenetic location: 6p21.33.
Variant type: single nucleotide variant.
Coding change: c.-31G>C on transcript NM_000500.7; 31 bases upstream of the start codon, G replaced by C.
Genome position (GRCh38, 1-based): chr6:32,038,392, G>C. VCF-style: chr6-32038392-G-C. GRCh37 (hg19) VCF-style: chr6-32006169-G-C.
Identifiers: ClinVar variation 4993461 (VCV004993461.1).